The following is an entry in ClinVar:

ClinVar aggregate classification (germline): Uncertain significance (1 of 4 stars; one submission).

Conditions:
Cardiomyopathy (CMYO). Also called: Cardiomyopathies. Identifiers: Orphanet 167848, MedGen C0878544, MONDO:0004994, HP:0001638. Inheritance: Various modes of inheritance.

Submission:

Color Diagnostics, LLC DBA Color Health
Classification: Uncertain significance for Cardiomyopathy. Last evaluated: 2024-03-06. Review status: criteria provided, single submitter. Criteria: ACMG Guidelines, 2015. Collection method: clinical testing. Allele origin: germline.
Comment: This missense variant replaces serine with cysteine at codon 280 of the DSP protein. Computational prediction is inconclusive regarding the impact of this variant on protein structure and function (internally defined REVEL score threshold 0.5 < inconclusive < 0.7, PMID: 27666373). Splice site prediction tools suggest that this variant may not impact RNA splicing. To our knowledge, functional studies have not been performed for this variant. This variant has not been reported in individuals affected with cardiovascular disorders in the literature. This variant has not been identified in the general population by the Genome Aggregation Database (gnomAD). The available evidence is insufficient to determine the role of this variant in disease conclusively. Therefore, this variant is classified as a Variant of Uncertain Significance.

NM_004415.4(DSP):c.839C>G (p.Ser280Cys)

Gene: DSP (desmoplakin; plus strand). Cytogenetic location: 6p24.3.
Variant type: single nucleotide variant.
Coding change: c.839C>G on transcript NM_004415.4 (MANE Select); coding-DNA position 839, C replaced by G.
Protein change: p.Ser280Cys; replaces serine 280 with cysteine.
Molecular consequence: missense variant.
Genome position (GRCh38, 1-based): chr6:7,565,420, C>G. VCF-style: chr6-7565420-C-G. GRCh37 (hg19) VCF-style: chr6-7565653-C-G.
Other names: c.839C>G, p.Ser280Cys (NM_001008844.3, NM_001319034.2); short protein forms S280C.
Identifiers: ClinVar variation 919243 (VCV000919243.4), dbSNP rs1758829462, ClinGen allele CA362674277.